The following is an entry in ClinVar:

NM_007194.4(CHEK2):c.1465G>A (p.Glu489Lys)

Gene: CHEK2 (checkpoint kinase 2; minus strand). Cytogenetic location: 22q12.1.
Variant type: single nucleotide variant.
Coding change: c.1465G>A on transcript NM_007194.4 (MANE Select); coding-DNA position 1465, G replaced by A.
Protein change: p.Glu489Lys; replaces glutamic acid 489 with lysine.
Molecular consequence: missense variant.
Genome position (GRCh38, 1-based): chr22:28,689,212, C>T on the plus strand (G>A on the coding strand, the complement: CHEK2 is on the minus strand). VCF-style: chr22-28689212-C-T. GRCh37 (hg19) VCF-style: chr22-29085200-C-T.
Other names: c.1594G>A, p.Glu532Lys (NM_001005735.3); c.802G>A, p.Glu268Lys (NM_001257387.3); c.1264G>A, p.Glu422Lys (NM_001349956.3); c.1378G>A, p.Glu460Lys (NM_145862.3); short protein forms E268K, E422K, E489K, E460K, E532K.
Identifiers: ClinVar variation 2074026 (VCV002074026.5), dbSNP rs1420382294, ClinGen allele CA411092748.

ClinVar aggregate classification (germline): Uncertain significance. Review status: criteria provided, multiple submitters, no conflicts (2 of 4 stars). 2 submissions from 2 submitters: Uncertain significance (2). Last evaluated 2024-08-10.

Conditions:
Hereditary cancer-predisposing syndrome. Also called: Neoplastic Syndromes, Hereditary; Hereditary Cancer Syndrome; Tumor predisposition; Hereditary neoplastic syndrome. Identifiers: Orphanet 140162, MedGen C0027672, MeSH D009386, MONDO:0015356.
Familial cancer of breast. Also called: hereditary breast carcinoma; Hereditary breast cancer; BREAST CANCER, FAMILIAL. Identifiers: Orphanet 227535, MedGen C0346153, MONDO:0016419, OMIM 114480. Disease mechanism: loss of function.

Submissions (2):

Ambry Genetics
Classification: Uncertain significance for Hereditary cancer-predisposing syndrome. Last evaluated: 2024-08-10. Review status: criteria provided, single submitter. Criteria: Ambry Variant Classification Scheme 2023. Collection method: clinical testing. Allele origin: germline.
Comment: The p.E489K variant (also known as c.1465G>A), located in coding exon 13 of the CHEK2 gene, results from a G to A substitution at nucleotide position 1465. The glutamic acid at codon 489 is replaced by lysine, an amino acid with similar properties. This amino acid position is conserved. In addition, this alteration is predicted to be tolerated by in silico analysis. Based on the available evidence, the clinical significance of this variant remains unclear.

Labcorp Genetics (formerly Invitae), Labcorp
Classification: Uncertain significance for Familial cancer of breast. Last evaluated: 2022-07-23. Review status: criteria provided, single submitter. Criteria: Invitae Variant Classification Sherloc (09022015). Collection method: clinical testing. Allele origin: germline.
Comment: In summary, the available evidence is currently insufficient to determine the role of this variant in disease. Therefore, it has been classified as a Variant of Uncertain Significance. Algorithms developed to predict the effect of missense changes on protein structure and function are either unavailable or do not agree on the potential impact of this missense change (SIFT: "Deleterious"; PolyPhen-2: "Benign"; Align-GVGD: "Class C0"). This variant has not been reported in the literature in individuals affected with CHEK2-related conditions. This variant is not present in population databases (gnomAD no frequency). This sequence change replaces glutamic acid, which is acidic and polar, with lysine, which is basic and polar, at codon 489 of the CHEK2 protein (p.Glu489Lys).